The following is an entry in ClinVar:

NM_001018115.3(FANCD2):c.201A>C (p.Gln67His)

Genes: FANCD2 (FA complementation group D2; plus strand), LOC107303338 (3p25 FANCD2 Alu-mediated recombination region; plus strand). Cytogenetic location: 3p25.3.
Variant type: single nucleotide variant.
Coding change: c.201A>C on transcript NM_001018115.3 (MANE Select); coding-DNA position 201, A replaced by C.
Protein change: p.Gln67His; replaces glutamine 67 with histidine.
Molecular consequence: missense variant.
Genome position (GRCh38, 1-based): chr3:10,032,968, A>C. VCF-style: chr3-10032968-A-C. GRCh37 (hg19) VCF-style: chr3-10074652-A-C.
Other names: c.201A>C, p.Gln67His (NM_001319984.2, NM_001374253.1, NM_001374254.1 and 2 more transcripts); short protein forms Q67H.
Identifiers: ClinVar variation 3611034 (VCV003611034.1).
Genomic context (GRCh38, chr3:10,032,968, plus strand): 5'-CTTTGTAAAGCTTCTTAAGATATCAGGAATTATTCTTAAAACGGGAGAGAGTCAGAATCA[A>C]CTAGGTAATATTTTAATCTAATTTTATTCTCTGGGTTTAATGAAATAGTTCAGGACTGAA-3'
Protein context (NP_001018125.1, residues 57-77): IILKTGESQN[Gln67His]LAVDQIAFQK

ClinVar aggregate classification (germline): Uncertain significance (1 of 4 stars; one submission).

Conditions:
Fanconi anemia (FA). Also called: Fanconi's anemia. Identifiers: Orphanet 84, MedGen C0015625, MeSH D005199, MONDO:0019391.

gnomAD v4.1: 4 of 1,570,356 alleles (0.00025%); highest among the groups gnomAD compares: Non-Finnish European, 0.00026%; no homozygotes.

Submission:

Labcorp Genetics (formerly Invitae), Labcorp
Classification: Uncertain significance for Fanconi anemia. Last evaluated: 2024-02-24. Review status: criteria provided, single submitter. Criteria: Invitae Variant Classification Sherloc (09022015). Collection method: clinical testing. Allele origin: germline.
Comment: This sequence change replaces glutamine, which is neutral and polar, with histidine, which is basic and polar, at codon 67 of the FANCD2 protein (p.Gln67His). This variant is not present in population databases (gnomAD no frequency). This variant has not been reported in the literature in individuals affected with FANCD2-related conditions. Advanced modeling of protein sequence and biophysical properties (such as structural, functional, and spatial information, amino acid conservation, physicochemical variation, residue mobility, and thermodynamic stability) has been performed at Invitae for this missense variant, however the output from this modeling did not meet the statistical confidence thresholds required to predict the impact of this variant on FANCD2 protein function. In summary, the available evidence is currently insufficient to determine the role of this variant in disease. Therefore, it has been classified as a Variant of Uncertain Significance.